The following is an entry in ClinVar:

ClinVar aggregate classification (germline): Uncertain significance. Review status: criteria provided, multiple submitters, no conflicts (2 of 4 stars). 2 submissions from 2 submitters: Uncertain significance (2). Last evaluated 2026-03-06.

gnomAD v4.1: 2 of 1,613,444 alleles (0.00012%); highest among the groups gnomAD compares: Non-Finnish European, 0.00017%; no homozygotes.

Submissions (2):

GeneDx
Classification: Uncertain significance. Last evaluated: 2026-03-06. Review status: criteria provided, single submitter. Criteria: GeneDx Variant Classification Process June 2021. Collection method: clinical testing. Allele origin: germline.
Comment: Not observed at significant frequency in large population cohorts (gnomAD); In silico analysis supports that this missense variant has a deleterious effect on protein structure/function; Has not been previously published as pathogenic or benign to our knowledge

Labcorp Genetics (formerly Invitae), Labcorp
Classification: Uncertain significance. Last evaluated: 2025-07-14. Review status: criteria provided, single submitter. Criteria: Invitae Variant Classification Sherloc (09022015). Collection method: clinical testing. Allele origin: germline.
Comment: This sequence change replaces arginine, which is basic and polar, with cysteine, which is neutral and slightly polar, at codon 745 of the ATP2B2 protein (p.Arg745Cys). This variant is not present in population databases (gnomAD no frequency). This variant has not been reported in the literature in individuals affected with ATP2B2-related conditions. ClinVar contains an entry for this variant (Variation ID: 3699766). Invitae Evidence Modeling of protein sequence and biophysical properties (such as structural, functional, and spatial information, amino acid conservation, physicochemical variation, residue mobility, and thermodynamic stability) indicates that this missense variant is expected to disrupt ATP2B2 protein function with a positive predictive value of 80%. In summary, the available evidence is currently insufficient to determine the role of this variant in disease. Therefore, it has been classified as a Variant of Uncertain Significance.

NM_001001331.4(ATP2B2):c.2368C>T (p.Arg790Cys)

Gene: ATP2B2 (ATPase plasma membrane Ca2+ transporting 2; minus strand). Cytogenetic location: 3p25.3.
Variant type: single nucleotide variant.
Coding change: c.2368C>T on transcript NM_001001331.4 (MANE Select); coding-DNA position 2368, C replaced by T.
Protein change: p.Arg790Cys; replaces arginine 790 with cysteine.
Molecular consequence: missense variant.
Genome position (GRCh38, 1-based): chr3:10,350,148, G>A on the plus strand (C>T on the coding strand, the complement: ATP2B2 is on the minus strand). VCF-style: chr3-10350148-G-A. GRCh37 (hg19) VCF-style: chr3-10391832-G-A.
Other names: c.2233C>T (NM_001683.3); c.2233C>T, p.Arg745Cys (NM_001330611.3, NM_001353564.1, NM_001363862.1 and 1 more transcripts); short protein forms R745C, R790C.
Identifiers: ClinVar variation 3699766 (VCV003699766.3).